The following is an entry in ClinVar:

NM_016239.4(MYO15A):c.4827C>T (p.Asn1609=)

Gene: MYO15A (myosin XVA; plus strand). Cytogenetic location: 17p11.2.
Variant type: single nucleotide variant.
Coding change: c.4827C>T on transcript NM_016239.4 (MANE Select); coding-DNA position 4827, C replaced by T.
Protein change: p.Asn1609=; no amino-acid change (asparagine 1609 retained).
Molecular consequence: synonymous variant.
Genome position (GRCh38, 1-based): chr17:18,137,631, C>T. VCF-style: chr17-18137631-C-T. GRCh37 (hg19) VCF-style: chr17-18040945-C-T.
Identifiers: ClinVar variation 517423 (VCV000517423.7), dbSNP rs372121604, ClinGen allele CA8424047.
Genomic context (GRCh38, chr17:18,137,631, plus strand): 5'-ATCCACCTGGCAGGACCTGAGCTTCAACAGCTTTGAGCAGCTGTGTATTAACTACGCAAA[C>T]GAGAACCTTCAGTACCTTTTCAACAAGATCGTCTTCCAGGAGGAGCAGGTGTGTGGGCCC-3'
Protein context (NP_057323.3, residues 1599-1619): SFEQLCINYA[Asn1609=]ENLQYLFNKI

ClinVar aggregate classification (germline): Likely benign. Review status: criteria provided, multiple submitters, no conflicts (2 of 4 stars). 2 submissions from 2 submitters: Likely benign (2). Last evaluated 2023-07-11.

Allele frequency attached by ClinVar (database versions not stated): gnomAD exomes 0.00001 and 0.00002; ExAC 0.00002; TOPMed 0.00002; ESP Exome Variant Server 0.00008.
gnomAD v4.1: 32 of 1,614,194 alleles (0.002%); highest among the groups gnomAD compares: Non-Finnish European, 0.0027%; no homozygotes.

Submissions (2):

Labcorp Genetics (formerly Invitae), Labcorp
Classification: Likely benign. Last evaluated: 2023-07-11. Review status: criteria provided, single submitter. Criteria: Invitae Variant Classification Sherloc (09022015). Collection method: clinical testing. Allele origin: germline.

Laboratory for Molecular Medicine, Mass General Brigham Personalized Medicine
Classification: Likely benign. Last evaluated: 2017-06-13. Review status: criteria provided, single submitter. Criteria: LMM Criteria. Collection method: clinical testing. Allele origin: germline. Observed: 1 variant allele.
Comment: p.Asn1609Asn in exon 16 of MYO15A: This variant is not expected to have clinical significance because it does not alter an amino acid residue and is not located within the splice consensus sequence. It has been identified in 2/111678 Europe an chromosomes by the Genome Aggregation Database (gnomAD; dbSNP rs372121604).